The following is an entry in ClinVar:

ClinVar aggregate classification (germline): Conflicting classifications of pathogenicity. Review status: criteria provided, conflicting classifications (1 of 4 stars). 5 submissions from 5 submitters: Uncertain significance (3); Likely benign (2). Last evaluated 2026-02-01.

Conditions:
TTN-related disorder. Also called: TTN-related disorders; TTN-related condition; TTN-related disease.
Dilated cardiomyopathy 1G (CMD1G). Identifiers: Orphanet 154, MedGen C1858763, MONDO:0011400, OMIM 604145.
Autosomal recessive limb-girdle muscular dystrophy type 2J (LGMDR10). Also called: Limb-girdle muscular dystrophy, type 2J; MUSCULAR DYSTROPHY, LIMB-GIRDLE, AUTOSOMAL RECESSIVE 10. Identifiers: Orphanet 140922, MedGen C1837342, MONDO:0012127, OMIM 608807.
Cardiomyopathy (CMYO). Also called: Cardiomyopathies. Identifiers: Orphanet 167848, MedGen C0878544, MONDO:0004994, HP:0001638. Inheritance: Various modes of inheritance.

Allele frequency attached by ClinVar (database versions not stated): gnomAD exomes below 0.00001; gnomAD 0.00001; TOPMed 0.00002.
gnomAD v4.1: 7 of 1,468,928 alleles (0.00048%); highest among the groups gnomAD compares: Admixed American, 0.0081%; no homozygotes.

Submissions (5):

Labcorp Genetics (formerly Invitae), Labcorp
Classification: Likely benign for Dilated cardiomyopathy 1G; Autosomal recessive limb-girdle muscular dystrophy type 2J. Last evaluated: 2026-02-01. Review status: criteria provided, single submitter. Criteria: Invitae Variant Classification Sherloc (09022015). Collection method: clinical testing. Allele origin: germline.

PreventionGenetics, part of Exact Sciences
Classification: Likely benign for TTN-related condition. Last evaluated: 2025-04-01. Review status: criteria provided, single submitter. Criteria: ACMG Guidelines, 2015. Collection method: clinical testing. Allele origin: germline.
Comment: This variant is classified as likely benign based on ACMG/AMP sequence variant interpretation guidelines (Richards et al. 2015 PMID: 25741868, with internal and published modifications).

CHEO Genetics Diagnostic Laboratory, Children's Hospital of Eastern Ontario
Classification: Uncertain significance for Cardiomyopathy. Last evaluated: 2021-08-27. Review status: criteria provided, single submitter. Criteria: ACMG Guidelines, 2015. Collection method: clinical testing. Allele origin: germline.

Eurofins Ntd Llc (ga)
Classification: Uncertain significance. Last evaluated: 2018-01-04. Review status: criteria provided, single submitter. Criteria: EGL Classification Definitions 2015. Collection method: clinical testing. Allele origin: germline. Observed: 1 variant allele, 1 heterozygote.

Laboratory for Molecular Medicine, Mass General Brigham Personalized Medicine
Classification: Uncertain significance. Last evaluated: 2015-10-01. Review status: criteria provided, single submitter. Criteria: LMM Criteria. Collection method: clinical testing. Allele origin: germline. Observed: 1 variant allele.
Comment: The c.23030-9A>G variant in TTN has not been previously reported in individuals with cardiomyopathy or in large population studies. This variant is located in t he 3' splice region. Computational tools do not suggest an impact to splicing. H owever, this information is not predictive enough to rule out pathogenicity. In summary, the clinical significance of the c.23030-9A>G variant is uncertain.

NM_001267550.2(TTN):c.26762-9A>G

Gene: TTN (titin; minus strand). Cytogenetic location: 2q31.2.
Variant type: single nucleotide variant.
Coding change: c.26762-9A>G on transcript NM_001267550.2 (MANE Select); 9 bases into the intron before coding-DNA position 26762, A replaced by G.
Molecular consequence: intron variant.
Genome position (GRCh38, 1-based): chr2:178,713,381, T>C on the plus strand (A>G on the coding strand, the complement: TTN is on the minus strand). VCF-style: chr2-178713381-T-C. GRCh37 (hg19) VCF-style: chr2-179578108-T-C.
Other names: c.13282+24701A>G (NM_003319.4); c.13858+24701A>G (NM_133437.4); c.13657+24701A>G (NM_133432.3); c.23030-9A>G (NM_133378.4); c.25811-9A>G (NM_001256850.1).
Identifiers: ClinVar variation 229401 (VCV000229401.20), dbSNP rs200821070, ClinGen allele CA10576549.
Genomic context (GRCh38, chr2:178,713,381, plus strand): 5'-AGACCATTTGTCTCTTTCAATTTTCTTGTGAATGAAGGAGGAACGGTTCGGTCTGAATGA[T>C]ACAAAACAAAACAAAACAAAACAAAACAAAAAAAACAAAGGACAACAATTATAAAATGAC-3'